The following is an entry in ClinVar:

ClinVar aggregate classification (germline): Conflicting classifications of pathogenicity. Review status: criteria provided, conflicting classifications (1 of 4 stars). 14 submissions from 11 submitters: Uncertain significance (3); Benign (1); Likely benign (7). 3 of the submissions do not count toward it. Last evaluated 2026-04-01.

Conditions:
Cardiovascular phenotype. Identifiers: MedGen CN230736.
Cardiac arrhythmia. Also called: Arrhythmia; Cardiac rhythm disease. Identifiers: MedGen C0003811, MONDO:0007263, HP:0011675.
Long QT syndrome (LQTS). Identifiers: MedGen C0023976, MeSH D008133, MONDO:0002442. Disease mechanism: loss of function. Inheritance: Various modes of inheritance.
Long QT syndrome 1 (LQT1). Identifiers: Orphanet 101016, Orphanet 768, MedGen C4551647, MONDO:0100316, OMIM 192500, MONDO:0008646.
Jervell and Lange-Nielsen syndrome 1 (JLNS1). Also called: SURDO-CARDIAC SYNDROME; CARDIOAUDITORY SYNDROME OF JERVELL AND LANGE-NIELSEN; DEAFNESS, CONGENITAL, AND FUNCTIONAL HEART DISEASE; PROLONGED QT INTERVAL IN EKG AND SUDDEN DEATH. Identifiers: Orphanet 768, Orphanet 90647, MedGen C4551509, MONDO:0024540, OMIM 220400.
Atrial fibrillation, familial, 3 (ATFB3). Identifiers: MedGen C1837014, MONDO:0011857, OMIM 607554.
Short QT syndrome type 2. Identifiers: Orphanet 51083, MedGen C1865019, MONDO:0012313, OMIM 609621.

Allele frequency attached by ClinVar (database versions not stated): ExAC 0.00004; gnomAD exomes 0.00006 and 0.00014; TOPMed 0.00007; ESP Exome Variant Server 0.00008; gnomAD 0.00009 and 0.00011.
gnomAD v4.1: 215 of 1,614,088 alleles (0.013%); highest among the groups gnomAD compares: Non-Finnish European, 0.018%; no homozygotes.

Submissions (14):

CeGaT Center for Human Genetics Tuebingen
Classification: Likely benign. Last evaluated: 2026-04-01. Review status: criteria provided, single submitter. Criteria: CeGaT Center For Human Genetics Tuebingen Variant Classification Criteria Version 2. Collection method: clinical testing. Allele origin: germline. Affected: yes. Observed: 3 variant alleles.
Comment: KCNQ1: BP4, BP7

Molecular Diagnostic Laboratory for Inherited Cardiovascular Disease, Montreal Heart Institute
Classification: Likely benign. Last evaluated: 2026-03-27. Review status: criteria provided, single submitter. Criteria: ACMG Guidelines, 2015. Collection method: clinical testing. Allele origin: germline. Affected: no.

Labcorp Genetics (formerly Invitae), Labcorp
Classification: Likely benign for Long QT syndrome. Last evaluated: 2026-01-06. Review status: criteria provided, single submitter. Criteria: Invitae Variant Classification Sherloc (09022015). Collection method: clinical testing. Allele origin: germline.

All of Us Research Program, National Institutes of Health
Classification: Likely benign for Long QT syndrome. Last evaluated: 2023-12-13. Review status: criteria provided, single submitter. Criteria: ACMG Guidelines, 2015. Collection method: clinical testing. Allele origin: germline. Inheritance: Autosomal dominant inheritance. Observed: 25 variant alleles, 25 heterozygotes.
Comment: This study involves interpretation of variants in research participants for the purpose of population health screening. Participant phenotype was not available at the time of variant classification. Additional details can be found in publication PMID: 35346344, PMCID: PMC8962531

Color Diagnostics, LLC DBA Color Health
Classification: Likely benign for Arrhythmia. Last evaluated: 2019-01-20. Review status: criteria provided, single submitter. Criteria: ACMG Guidelines, 2015. Collection method: clinical testing. Allele origin: germline.

Ambry Genetics
Classification: Likely benign for Cardiovascular phenotype. Last evaluated: 2017-05-15. Review status: criteria provided, single submitter. Criteria: Ambry Variant Classification Scheme 2023. Collection method: clinical testing. Allele origin: germline.

Illumina Laboratory Services, Illumina
Classification: Uncertain significance for Atrial fibrillation, familial, 3. Last evaluated: 2017-04-28. Review status: criteria provided, single submitter. Criteria: ICSL Variant Classification Criteria 13 December 2019. Collection method: clinical testing. Allele origin: germline.

Illumina Laboratory Services, Illumina
Classification: Uncertain significance for Jervell and Lange-Nielsen syndrome 1. Last evaluated: 2017-04-28. Review status: criteria provided, single submitter. Criteria: ICSL Variant Classification Criteria 13 December 2019. Collection method: clinical testing. Allele origin: germline.

Illumina Laboratory Services, Illumina
Classification: Uncertain significance for Long QT syndrome 1. Last evaluated: 2017-04-28. Review status: criteria provided, single submitter. Criteria: ICSL Variant Classification Criteria 13 December 2019. Collection method: clinical testing. Allele origin: germline.
Comment: This variant was observed as part of a predisposition screen in an ostensibly healthy population. A literature search was performed for the gene, cDNA change, and amino acid change (where applicable). Publications were found based on this search. However, the evidence from the literature, in combination with allele frequency data from public databases where available, was not sufficient to rule this variant in or out of causing disease. Therefore, this variant is classified as a variant of unknown significance.

Illumina Laboratory Services, Illumina
Classification: Likely benign for Short QT syndrome type 2. Last evaluated: 2017-04-28. Review status: criteria provided, single submitter. Criteria: ICSL Variant Classification Criteria 13 December 2019. Collection method: clinical testing. Allele origin: germline.
Comment: This variant was observed as part of a predisposition screen in an ostensibly healthy population. A literature search was performed for the gene, cDNA change, and amino acid change (where applicable). No publications were found based on this search. Allele frequency data from public databases allowed determination this variant is unlikely to cause disease. Therefore, this variant is classified as likely benign.

GeneDx
Classification: Benign. Last evaluated: 2014-07-03. Review status: criteria provided, single submitter. Criteria: GeneDx Variant Classification (06012015). Collection method: clinical testing. Allele origin: germline. Affected: yes.
Comment: This variant is considered likely benign or benign based on one or more of the following criteria: it is a conservative change, it occurs at a poorly conserved position in the protein, it is predicted to be benign by multiple in silico algorithms, and/or has population frequency not consistent with disease.

Clinical Genetics DNA and cytogenetics Diagnostics Lab, Erasmus MC, Erasmus Medical Center
Classification: Likely benign. Review status: no assertion criteria provided. Collection method: clinical testing. Allele origin: germline. Affected: yes. Study: VKGL Data-share Consensus. Not counted in ClinVar's aggregate classification.

Clinical Genetics, Academic Medical Center
Classification: Benign. Review status: no assertion criteria provided. Collection method: clinical testing. Allele origin: germline. Affected: yes. Study: VKGL Data-share Consensus. Not counted in ClinVar's aggregate classification.

Genome Diagnostics Laboratory, University Medical Center Utrecht
Classification: Likely benign. Review status: no assertion criteria provided. Collection method: clinical testing. Allele origin: germline. Affected: yes. Study: VKGL Data-share Consensus. Not counted in ClinVar's aggregate classification.

Literature cited by the submitters: PubMed 12402336 (cited by Illumina Laboratory Services, Illumina).

NM_000218.3(KCNQ1):c.1476A>G (p.Glu492=)

Genes: KCNQ1 (potassium voltage-gated channel subfamily Q member 1; plus strand), KCNQ1OT1 (KCNQ1 opposite strand/antisense transcript 1; minus strand). Cytogenetic location: 11p15.5.
Variant type: single nucleotide variant.
Coding change: c.1476A>G on transcript NM_000218.3 (MANE Select); coding-DNA position 1476, A replaced by G.
Protein change: p.Glu492=; no amino-acid change (glutamic acid 492 retained).
Molecular consequence: synonymous variant.
Genome position (GRCh38, 1-based): chr11:2,662,043, A>G. VCF-style: chr11-2662043-A-G. GRCh37 (hg19) VCF-style: chr11-2683273-A-G.
Other names: p.E492E:GAA>GAG; c.1380A>G, p.Glu460= (NM_001406836.1); c.1206A>G, p.Glu402= (NM_001406837.1); c.936A>G, p.Glu312= (NM_001406838.1); c.1095A>G, p.Glu365= (NM_181798.2).
Identifiers: ClinVar variation 200812 (VCV000200812.35), dbSNP rs370676650, ClinGen allele CA005791.
Genomic context (GRCh38, chr11:2,662,043, plus strand): 5'-GGAAGTGAGCATGCCCCATTTCATGAGAACCAACAGCTTCGCCGAGGACCTGGACCTGGA[A>G]GGGGAGACTCTGCTGACACCCATCACCCACATCTCACAGTGAGTGCCTACATGTGCGTGA-3'
Protein context (NP_000209.2, residues 482-502): TNSFAEDLDL[Glu492=]GETLLTPITH